The following is an entry in ClinVar:

NM_020937.4(FANCM):c.2040_2041del (p.Leu680fs)

Gene: FANCM (FA complementation group M; plus strand). Cytogenetic location: 14q21.2.
Variant type: Deletion.
Coding change: c.2040_2041del on transcript NM_020937.4 (MANE Select); coding-DNA positions 2040 to 2041, 2 bases deleted (AT; older notation c.2040_2041delAT).
Protein change: p.Leu680fs; shifts the reading frame from leucine 680.
Molecular consequence: frameshift variant.
Genome position (GRCh38, 1-based): chr14:45,170,626-45,170,627, AT deleted; deleting any 2 consecutive bases within chr14:45,170,625-45,170,627 gives the same sequence; the c. name uses the placement nearest the transcript's 3' end. VCF-style (leftmost placement, unchanged base first): chr14-45170624-TTA-T. GRCh37 (hg19) VCF-style: chr14-45639827-TTA-T.
Other names: c.1962_1963del, p.Leu654fs (NM_001308133.2); short protein forms L680fs, L654fs.
Identifiers: ClinVar variation 1431785 (VCV001431785.6), dbSNP rs777996811, ClinGen allele CA7169226.

ClinVar aggregate classification (germline): Pathogenic (1 of 4 stars; one submission).

Conditions:
Fanconi anemia (FA). Also called: Fanconi's anemia. Identifiers: Orphanet 84, MedGen C0015625, MeSH D005199, MONDO:0019391.

Submission:

Labcorp Genetics (formerly Invitae), Labcorp
Classification: Pathogenic for Fanconi anemia. Last evaluated: 2022-02-25. Review status: criteria provided, single submitter. Criteria: Invitae Variant Classification Sherloc (09022015). Collection method: clinical testing. Allele origin: germline.
Comment: This variant is present in population databases (rs777996811, gnomAD 0.03%). This sequence change creates a premature translational stop signal (p.Leu680Phefs*6) in the FANCM gene. It is expected to result in an absent or disrupted protein product. Loss-of-function variants in FANCM are known to be pathogenic (PMID: 29895858, 30075111). This variant has not been reported in the literature in individuals affected with FANCM-related conditions. For these reasons, this variant has been classified as Pathogenic.

Literature cited by the submitters: PubMed 29895858; PubMed 30075111.